The following is an entry in ClinVar:

NM_000890.5(KCNJ5):c.-9A>C

Gene: KCNJ5 (potassium inwardly rectifying channel subfamily J member 5; plus strand). Cytogenetic location: 11q24.3.
Variant type: single nucleotide variant.
Coding change: c.-9A>C on transcript NM_000890.5 (MANE Select); 9 bases upstream of the start codon, A replaced by C.
Molecular consequence: 5 prime UTR variant.
Genome position (GRCh38, 1-based): chr11:128,911,265, A>C. VCF-style: chr11-128911265-A-C. GRCh37 (hg19) VCF-style: chr11-128781160-A-C.
Other names: c.-9A>C (NM_001354169.2).
Identifiers: ClinVar variation 931771 (VCV000931771.3), dbSNP rs752992023, ClinGen allele CA1139662437.

ClinVar aggregate classification (germline): Uncertain significance (1 of 4 stars; one submission).

Conditions:
Familial hyperaldosteronism type III. Also called: FH III; Familial hyperaldosteronism type 3. Identifiers: Orphanet 251274, MedGen C3838758, MONDO:0013359, OMIM 613677.

Submission:

Centre for Mendelian Genomics, University Medical Centre Ljubljana
Classification: Uncertain significance for Familial hyperaldosteronism type III. Last evaluated: 2020-01-28. Review status: criteria provided, single submitter. Criteria: ACMG Guidelines, 2015. Collection method: clinical testing. Allele origin: unknown. Affected: yes.
Comment: This variant was classified as: Uncertain significance. The available evidence on this variant's pathogenicity is insufficient or conflicting. The following ACMG criteria were applied in classifying this variant: PM2.